The following is an entry in ClinVar:

NM_002225.5(IVD):c.865G>C (p.Gly289Arg)

Gene: IVD (isovaleryl-CoA dehydrogenase; plus strand). Cytogenetic location: 15q15.1.
Variant type: single nucleotide variant.
Coding change: c.865G>C on transcript NM_002225.5 (MANE Select); coding-DNA position 865, G replaced by C.
Protein change: p.Gly289Arg; replaces glycine 289 with arginine.
Molecular consequence: missense variant. On other transcripts: non-coding transcript variant (1).
Genome position (GRCh38, 1-based): chr15:40,414,969, G>C. VCF-style: chr15-40414969-G-C. GRCh37 (hg19) VCF-style: chr15-40707168-G-C.
Other names: c.775G>C, p.Gly259Arg (NM_001159508.3); c.817G>C, p.Gly273Arg (NM_001354597.3); c.865G>C, p.Gly289Arg (NM_001354598.3, NM_001354601.3); c.952G>C, p.Gly318Arg (NM_001354599.3, NM_001354600.3); short protein forms G259R, G273R, G289R, G318R.
Identifiers: ClinVar variation 4815005 (VCV004815005.1).
Genomic context (GRCh38, chr15:40,414,969, plus strand): 5'-GAGAATAAGGGTGTCTACGTGCTGATGAGTGGGCTGGACCTGGAGCGGCTGGTGCTGGCC[G>C]GGGGGCCTCTTGGGTAAGTGTGAGAGGCTTGAGGGAAGCTGGGCTCTGTCGGCCTCCTCG-3'
Protein context (NP_002216.3, residues 279-299): GLDLERLVLA[Gly289Arg]GPLGLMQAVL

ClinVar aggregate classification (germline): Likely pathogenic (1 of 4 stars; one submission).

Conditions:
Isovaleryl-CoA dehydrogenase deficiency (IVA). Also called: ISOVALERIC ACID CoA DEHYDROGENASE DEFICIENCY; Isovaleric acidemia; Classic Isovaleric Acidemia; IVD DEFICIENCY. Identifiers: Orphanet 33, MedGen C0268575, MONDO:0009475, OMIM 243500.

gnomAD v4.1: 1 of 1,613,340 alleles (0.000062%); highest among the groups gnomAD compares: African/African-American, 0.0013%; no homozygotes.

Submission:

Natera, Inc.
Classification: Likely pathogenic for Isovaleryl-coa dehydrogenase deficiency. Last evaluated: 2025-06-03. Review status: criteria provided, single submitter. Criteria: Natera Variant Classification Schema (03/2026). Collection method: clinical testing. Allele origin: germline.
Comment: The c.874G>C variant in IVD is a missense variant predicted to cause substitution of glycine to arginine at amino acid 292. This variant is rare in the general population with a frequency below the threshold expected for the associated phenotype(s). Another variant at this same site results in an alteration predicted to cause a similar molecular effect has been observed in individual(s) with the associated phenotype. Computational prediction algorithms indicate this variant is likely to affect gene or protein function. Given the available evidence, this variant is classified as Likely Pathogenic.